The following is an entry in ClinVar:

ClinVar aggregate classification (germline): Pathogenic. Review status: reviewed by expert panel (3 of 4 stars). 12 submissions from 12 submitters: Pathogenic (1). 11 of the submissions do not count toward it. Last evaluated 2022-03-16.

Conditions:
Inherited breast cancer and ovarian cancer.
ATM-related cancer predisposition. Also called: ATM-related cancer susceptibility. Identifiers: MedGen CN377759, MONDO:0700270.
ATM-related disorder. Also called: ATM-related disorders; ATM-related condition.
Hereditary cancer-predisposing syndrome. Also called: Neoplastic Syndromes, Hereditary; Tumor predisposition; Hereditary Cancer Syndrome; Hereditary neoplastic syndrome. Identifiers: Orphanet 140162, MedGen C0027672, MeSH D009386, MONDO:0015356.
Ataxia-telangiectasia syndrome (AT). Also called: Ataxia-telangiectasia, complementation group E; LOUIS-BAR SYNDROME; AT, COMPLEMENTATION GROUP C; Cerebello-oculocutaneous telangiectasia; Immunodeficiency with ataxia telangiectasia; ATAXIA-TELANGIECTASIA, COMPLEMENTATION GROUP A. Identifiers: Orphanet 100, MedGen C0004135, MONDO:0008840, OMIM 208900.
Familial cancer of breast. Also called: Hereditary breast cancer; BREAST CANCER, FAMILIAL; hereditary breast carcinoma. Identifiers: Orphanet 227535, MedGen C0346153, MONDO:0016419, OMIM 114480. Disease mechanism: loss of function.
Hereditary breast ovarian cancer syndrome. Also called: Hereditary breast and ovarian cancer; Hereditary breast and ovarian cancer syndrome; Hereditary breast and ovarian cancer syndrome (HBOC); Hereditary breast and/or ovarian cancer syndrome; Breast and ovarian cancer; BRCA1- and BRCA2-Associated Hereditary Breast and Ovarian Cancer. Identifiers: Orphanet 145, MedGen C0677776, MeSH D061325, MONDO:0003582. Disease mechanism: loss of function.

Submissions (12):

ClinGen Hereditary Breast, Ovarian and Pancreatic Cancer Variant Curation Expert Panel, ClinGen
Classification: Pathogenic for ATM-related cancer predisposition. Last evaluated: 2022-03-16. Review status: reviewed by expert panel. Criteria: clingen hbop acmg specifications atm v1-1. Collection method: curation. Allele origin: germline. Inheritance: Autosomal dominant inheritance.
Comment: The ATM c.8578_8580delTCT (p.S2860del) variant has been observed in the compound heterozygous state (presumed) in two individuals affected with ataxia-telangiectasia and it has also been observed in the compound heterozygous state (confirmed) in an individual affected with generalized dystonia, without classical AT features (PMIDs: 22213089, 31920950 PM3_verystrong). This variant is a singleton in gnomAD v2.1.1 and therefore considered rare (PM2_Supporting). In silico structural impact predictors (Provean, -11.099) predict that this alteration is deleterious (PP3). In summary, this variant meets criteria to be classified as pathogenic based on the ACMG/AMP criteria applied, as specified by the HBOP Variant Curation Expert Panel.

German Consortium for Hereditary Breast and Ovarian Cancer, University Hospital Cologne
Classification: Pathogenic for Hereditary breast ovarian cancer syndrome. Last evaluated: 2026-05-12. Review status: criteria provided, single submitter. Criteria: ClinGen ATM V1.5.0. Collection method: curation. Allele origin: germline. Not counted in ClinVar's aggregate classification.
Comment: This classification follows the ClinGen ACMG ATM v1.5.0 classification scheme; We chose these criteria: PM2 (supporting pathogenic): gnomAD v4.1.1 total MAF = 0.000003099 (=0.0003%, thus < 0.001%), PM3 (very strong pathogenic): Variant has been observed in the compound heterozygous state in at least three individuals affected with ataxia-telangiectasia and it has also been observed in the compound heterozygous state in an individual affected with generalized dystonia, without classical AT features (PMIDs: 22213089, 31920950, 21792198, 8845835), PP3 (supporting pathogenic): Provean score -11.099 (VCEP)

Labcorp Genetics (formerly Invitae), Labcorp
Classification: Likely pathogenic for Ataxia-telangiectasia syndrome. Last evaluated: 2025-12-21. Review status: criteria provided, single submitter. Criteria: Invitae Variant Classification Sherloc (09022015). Collection method: clinical testing. Allele origin: germline. Not counted in ClinVar's aggregate classification.
Comment: This variant, c.8578_8580del, results in the deletion of 1 amino acid(s) of the ATM protein (p.Ser2860del), but otherwise preserves the integrity of the reading frame. This variant is present in population databases (rs786203976, gnomAD 0.01%). This variant has been observed in individual(s) with clinical features of ataxia-telangiectasia and/or pancreatic ductal adenocarcinoma (PMID: 7792600, 8845835, 9792409, 19535770, 21792198, 22213089, 25572163, 33127389). In at least one individual the data is consistent with being in trans (on the opposite chromosome) from a pathogenic variant. ClinVar contains an entry for this variant (Variation ID: 3018). Experimental studies and prediction algorithms are not available or were not evaluated, and the functional significance of this variant is currently unknown. In summary, the currently available evidence indicates that the variant is pathogenic, but additional data are needed to prove that conclusively. Therefore, this variant has been classified as Likely Pathogenic.

Ambry Genetics
Classification: Likely pathogenic for Hereditary cancer-predisposing syndrome. Last evaluated: 2025-10-02. Review status: criteria provided, single submitter. Criteria: Ambry Variant Classification Scheme 2023. Collection method: clinical testing. Allele origin: germline. Not counted in ClinVar's aggregate classification.
Comment: The c.8578_8580delTCT variant is located in coding exon 57 of the ATM gene. This variant results from an in-frame TCT deletion at nucleotide positions 8578 to 8580, causing the removal of a highly-conserved serine residue at codon 2860. This variant has been detected in trans with a second ATM pathogenic variant in a patient with generalized dystonia (Kuhm C et al. J Neurol, 2015 Mar;262:768-70). In addition, this variant has been observed in two unrelated patients with ataxia-telangiectasia (A-T), each harboring a second ATM pathogenic variant (Verhagen MM et al. Neurology, 2009 Aug;73(6):430-7; Verhagen MM et al. Hum Mutat, 2012 Mar;33:561-71). Functional studies have revealed low expression of ATM protein in A-T patient cell lines, without detectable kinase activity (Reiman A et al. Br J Cancer, 2011 Aug;105:586-91; Verhagen MM et al. Hum Mutat, 2012 Mar;33:561-71). Based on internal structural analysis, S2860del is predicted to disrupt the ATM kinase domain to a higher degree than nearby pathogenic variants in the same domain (Bareti D et al. Sci Adv, 2017 May;3(5):e1700933). In addition, this alteration is predicted to be deleterious by in silico analysis (Choi Y et al. PLoS ONE. 2012; 7(10):e46688). Based on the majority of available evidence to date, this variant is likely to be pathogenic.

Color Diagnostics, LLC DBA Color Health
Classification: Likely pathogenic for Hereditary cancer-predisposing syndrome. Last evaluated: 2025-03-04. Review status: criteria provided, single submitter. Criteria: ACMG Guidelines, 2015. Collection method: clinical testing. Allele origin: germline. Not counted in ClinVar's aggregate classification.
Comment: This variant causes an in-frame deletion of one amino acid in the kinase domain of the ATM protein. This variant has been reported in individuals affected with ataxia-telangiectasia, including in the compound heterozygous state with an additional pathogenic ATM variant (PMID: 7792600, 8845835, 9259193, 9792409, 19535770, 21792198, 22213089). Cells derived from two of these individuals have shown the presence of ATM protein but no detectable ATM kinase activity (PMID: 21792198, 22213089). This variant has also been reported in the compound heterozygous state in an individual affected with dystonia (PMID: 25572163, 31920950) and in the heterozygous state in an individual affected with pancreatic cancer (PMID: 33127389). This variant has been identified in 1/251054 chromosomes in the general population by the Genome Aggregation Database (gnomAD). Based on the available evidence, this variant is classified as Likely Pathogenic.

Cambridge Genomics Laboratory, East Genomic Laboratory Hub, NHS Genomic Medicine Service
Classification: Likely pathogenic for Inherited breast cancer and ovarian cancer. Last evaluated: 2025-02-21. Review status: criteria provided, single submitter. Criteria: ACGS Best Practice Guidelines for Variant Classification in Rare Disease 2020. Collection method: clinical testing. Allele origin: germline. Affected: yes. Not counted in ClinVar's aggregate classification.
Comment: PS3_Supporting,PM2_Supporting,PM3_Strong

Myriad Genetics, Inc.
Classification: Likely pathogenic for Familial cancer of breast. Last evaluated: 2024-02-02. Review status: criteria provided, single submitter. Criteria: Myriad Autosomal Dominant, Autosomal Recessive and X-Linked Classification Criteria (2023). Collection method: clinical testing. Allele origin: unknown. Not counted in ClinVar's aggregate classification.
Comment: This variant is considered likely pathogenic. This variant has been reported in multiple individuals with clinical features of gene-specific disease [PMID: 19535770, 22213089, 21792198, 9792409].

GeneDx
Classification: Likely pathogenic. Last evaluated: 2024-01-23. Review status: criteria provided, single submitter. Criteria: GeneDx Variant Classification Process June 2021. Collection method: clinical testing. Allele origin: germline. Affected: yes. Not counted in ClinVar's aggregate classification.
Comment: Observed multiple times with a pathogenic ATM variant in patients with dystonia or classic ataxia telangiectasia in published literature, but it is not known whether the variants occurred on the same (in cis) or on different (in trans) alleles in some cases (PMID: 19535770, 21792198, 22213089, 25572163, 28126470, 31920950); Identified in the heterozygous state in individuals with pancreatic cancer (PMID: 33127389); In-frame deletion of 1 amino acid in a non-repeat region; Not observed at significant frequency in large population cohorts (gnomAD); In silico analysis supports a deleterious effect on protein structure/function; This variant is associated with the following publications: (PMID: 31920950, 19535770, 28194276, 28126470, 30504431, 28779002, 22213089, 21792198, 25572163, 34771661, 7792600, 15279808, 23532176, 33127389)

Baylor Genetics
Classification: Pathogenic for Familial cancer of breast. Last evaluated: 2024-01-08. Review status: criteria provided, single submitter. Criteria: ACMG Guidelines, 2015. Collection method: clinical testing. Allele origin: unknown. Not counted in ClinVar's aggregate classification.

Blueprint Genetics
Classification: Pathogenic for ATM-related disorders. Last evaluated: 2021-04-22. Review status: criteria provided, single submitter. Criteria: ACMG Guidelines, 2015. Collection method: clinical testing. Allele origin: germline. Affected: yes. Observed: 1 variant allele. Not counted in ClinVar's aggregate classification.

Juno Genomics, Hangzhou Juno Genomics, Inc
Classification: Likely pathogenic for Familial cancer of breast; Ataxia-telangiectasia syndrome. Review status: criteria provided, single submitter. Criteria: ACMG Guidelines, 2015. Collection method: clinical testing. Allele origin: germline. Not counted in ClinVar's aggregate classification.
Comment: Absent from controls (or at extremely low frequency if recessive) in Genome Aggregation Database.;For recessive disorders, detected in trans with a pathogenic variant.

OMIM
Classification: Pathogenic for ATAXIA-TELANGIECTASIA, COMPLEMENTATION GROUP A. Last evaluated: 1995-06-23. Review status: no assertion criteria provided. Collection method: literature only. Allele origin: germline. Not counted in ClinVar's aggregate classification.

Literature cited by the submitters: PubMed 7792600 (cited by 3 submitters); PubMed 8845835 (cited by Labcorp Genetics (formerly Invitae), Labcorp and Color Diagnostics, LLC DBA Color Health); PubMed 9792409 (cited by 3 submitters); PubMed 19535770 (cited by 4 submitters); PubMed 21792198 (cited by 4 submitters); PubMed 22213089 (cited by 4 submitters); PubMed 25572163 (cited by 3 submitters); PubMed 33127389 (cited by Labcorp Genetics (formerly Invitae), Labcorp and Color Diagnostics, LLC DBA Color Health); PubMed 28508083 (cited by Ambry Genetics); PubMed 9259193 (cited by Color Diagnostics, LLC DBA Color Health); PubMed 31920950 (cited by Color Diagnostics, LLC DBA Color Health).

NM_000051.4(ATM):c.8575TCT[1] (p.Ser2860del)

Genes: ATM (ATM serine/threonine kinase; plus strand), C11orf65 (chromosome 11 open reading frame 65; minus strand). Cytogenetic location: 11q22.3.
Variant type: Microsatellite.
Coding change: c.8575TCT[1] on transcript NM_000051.4 (MANE Select); one copy of the 3-base unit TCT starting at c.8575; the reference has two copies in a row; one copy, 3 bases deleted; also written c.8578_8580del.
Protein change: p.Ser2860del; deletes serine 2860.
Molecular consequence: inframe deletion. On other transcripts: inframe indel (2), intron variant (2).
Genome position (GRCh38, 1-based): chr11:108,345,902-108,345,904, TCT deleted; deleting any 3 consecutive bases within chr11:108,345,897-108,345,904 gives the same sequence; the position shown is the placement nearest the transcript's 3' end. VCF-style (leftmost placement, unchanged base first): chr11-108345896-ACTT-A. GRCh37 (hg19) VCF-style: chr11-108216623-ACTT-A.
Other names: ATM, 3-BP DEL, SER1512DEL; S1512del; NM_000051.4(ATM):c.8575TCT[1]; p.Ser2860del; c.8578_8580del (NM_000051.4, NM_000051.3); c.8575TCT[1], p.Ser2860del (NM_001351834.2); c.641-36828_641-36826del (NM_001330368.2); c.695-10607_695-10605del (NM_001351110.2); and 1 more; short protein forms S2860del.
Identifiers: ClinVar variation 3018 (VCV000003018.31), dbSNP rs786203976, ClinGen allele CA198490.
Genomic context (GRCh38, chr11:108,345,896, plus strand): 5'-AAATTCTTGGATCCAGCTATTTGGTTTGAGAAGCGATTGGCTTATACGCGCAGTGTAGCT[ACTT>A]CTTCTATTGGTAATCTTCTTGTACATATAGTAGATTGAGCACTTTGTTGTTTGGCAGGTT-3'